The following is an entry in ClinVar:

NM_018942.3(HMX1):c.836T>G (p.Leu279Arg)

Gene: HMX1 (H6 family homeobox 1; minus strand). Cytogenetic location: 4p16.1.
Variant type: single nucleotide variant.
Coding change: c.836T>G on transcript NM_018942.3 (MANE Select); coding-DNA position 836, T replaced by G.
Protein change: p.Leu279Arg; replaces leucine 279 with arginine.
Molecular consequence: missense variant. On other transcripts: intron variant (1).
Genome position (GRCh38, 1-based): chr4:8,867,904, A>C on the plus strand (T>G on the coding strand, the complement: HMX1 is on the minus strand). VCF-style: chr4-8867904-A-C. GRCh37 (hg19) VCF-style: chr4-8869630-A-C.
Other names: c.394+3317T>G (NM_001306142.2); short protein forms L279R.
Identifiers: ClinVar variation 4740250 (VCV004740250.1).
Genomic context (GRCh38, chr4:8,867,904, plus strand): 5'-GGGGGCCCAGCGGCGGCTGCGGCCGGGGGGCTTTCGTGGTAGAGCACCGGCACGCGGACC[A>C]GGCGCTGCGCTCCCGGCGGGGACAGGCTGGCCGCCTCCAGCTCGGCTGCCAGCTGCCGCT-3'
Protein context (NP_061815.2, residues 269-289): ASLSPPGAQR[Leu279Arg]VRVPVLYHES

ClinVar aggregate classification (germline): Uncertain significance (1 of 4 stars; one submission).

Submission:

Labcorp Genetics (formerly Invitae), Labcorp
Classification: Uncertain significance. Last evaluated: 2025-10-05. Review status: criteria provided, single submitter. Criteria: Invitae Variant Classification Sherloc (09022015). Collection method: clinical testing. Allele origin: germline.
Comment: This sequence change replaces leucine, which is neutral and non-polar, with arginine, which is basic and polar, at codon 279 of the HMX1 protein (p.Leu279Arg). This variant is not present in population databases (gnomAD no frequency). This variant has not been reported in the literature in individuals affected with HMX1-related conditions. Invitae Evidence Modeling of protein sequence and biophysical properties (such as structural, functional, and spatial information, amino acid conservation, physicochemical variation, residue mobility, and thermodynamic stability) indicates that this missense variant is not expected to disrupt HMX1 protein function with a negative predictive value of 80%. In summary, the available evidence is currently insufficient to determine the role of this variant in disease. Therefore, it has been classified as a Variant of Uncertain Significance.